The following is an entry in ClinVar:

ClinVar aggregate classification (germline): Uncertain significance (1 of 4 stars; one submission).

Allele frequency attached by ClinVar (database versions not stated): ExAC 0.00002; gnomAD exomes 0.00002; TOPMed 0.00003; gnomAD 0.00007; 1000 Genomes Project 30x 0.00016; 1000 Genomes Project 0.00020.

Submission:

Labcorp Genetics (formerly Invitae), Labcorp
Classification: Uncertain significance. Last evaluated: 2023-06-03. Review status: criteria provided, single submitter. Criteria: Invitae Variant Classification Sherloc (09022015). Collection method: clinical testing. Allele origin: germline.
Comment: In summary, the available evidence is currently insufficient to determine the role of this variant in disease. Therefore, it has been classified as a Variant of Uncertain Significance. An algorithm developed to predict the effect of missense changes on protein structure and function (PolyPhen-2) suggests that this variant is likely to be tolerated. ClinVar contains an entry for this variant (Variation ID: 1985728). This variant has not been reported in the literature in individuals affected with KATNB1-related conditions. This variant is present in population databases (rs200708451, gnomAD 0.008%). This sequence change replaces arginine, which is basic and polar, with glutamine, which is neutral and polar, at codon 513 of the KATNB1 protein (p.Arg513Gln).

NM_005886.3(KATNB1):c.1538G>A (p.Arg513Gln)

Gene: KATNB1 (katanin regulatory subunit B1; plus strand). Cytogenetic location: 16q21.
Variant type: single nucleotide variant.
Coding change: c.1538G>A on transcript NM_005886.3 (MANE Select); coding-DNA position 1538, G replaced by A.
Protein change: p.Arg513Gln; replaces arginine 513 with glutamine.
Molecular consequence: missense variant.
Genome position (GRCh38, 1-based): chr16:57,755,466, G>A. VCF-style: chr16-57755466-G-A. GRCh37 (hg19) VCF-style: chr16-57789378-G-A.
Other names: short protein forms R513Q.
Identifiers: ClinVar variation 1985728 (VCV001985728.4), dbSNP rs200708451, ClinGen allele CA8081248.